The following is an entry in ClinVar:

ClinVar aggregate classification (germline): Benign (0 of 4 stars; one submission).

Conditions:
IFT70B-related disorder. Also called: IFT70B-related condition.

Allele frequency attached by ClinVar (database versions not stated): ESP Exome Variant Server 0.85218; gnomAD 0.85593; TOPMed 0.85645; ExAC 0.86433; 1000 Genomes Project 30x 0.88960; 1000 Genomes Project 0.89058.

Submission:

PreventionGenetics, part of Exact Sciences
Classification: Benign for IFT70B-related condition. Last evaluated: 2023-02-01. Review status: no assertion criteria provided. Collection method: clinical testing. Allele origin: germline.
Comment: This variant is classified as benign based on ACMG/AMP sequence variant interpretation guidelines (Richards et al. 2015 PMID: 25741868, with internal and published modifications).

NM_152517.3(IFT70B):c.267G>A (p.Leu89=)

Gene: IFT70B (intraflagellar transport 70B; minus strand). Cytogenetic location: 2q31.2.
Variant type: single nucleotide variant.
Coding change: c.267G>A on transcript NM_152517.3 (MANE Select); coding-DNA position 267, G replaced by A.
Protein change: p.Leu89=; no amino-acid change (leucine 89 retained).
Molecular consequence: synonymous variant.
Genome position (GRCh38, 1-based): chr2:177,552,497, C>T on the plus strand (G>A on the coding strand, the complement: IFT70B is on the minus strand). VCF-style: chr2-177552497-C-T. GRCh37 (hg19) VCF-style: chr2-178417225-C-T.
Identifiers: ClinVar variation 3060728 (VCV003060728.2), dbSNP rs11695035, ClinGen allele CA1980844.